The following is an entry in ClinVar:

ClinVar aggregate classification (germline): Uncertain significance (1 of 4 stars; one submission).

Conditions:
Dyskeratosis congenita, autosomal dominant 6 (DKCA6). Identifiers: Orphanet 3322, MedGen C4225284, MONDO:0014690, OMIM 616553.

Submission:

Labcorp Genetics (formerly Invitae), Labcorp
Classification: Uncertain significance for Dyskeratosis congenita, autosomal dominant 6. Last evaluated: 2025-04-23. Review status: criteria provided, single submitter. Criteria: Invitae Variant Classification Sherloc (09022015). Collection method: clinical testing. Allele origin: germline.
Comment: This sequence change replaces glutamic acid, which is acidic and polar, with aspartic acid, which is acidic and polar, at codon 375 of the ACD protein (p.Glu375Asp). This variant is not present in population databases (gnomAD no frequency). This variant has not been reported in the literature in individuals affected with ACD-related conditions. Invitae Evidence Modeling of protein sequence and biophysical properties (such as structural, functional, and spatial information, amino acid conservation, physicochemical variation, residue mobility, and thermodynamic stability) indicates that this missense variant is not expected to disrupt ACD protein function with a negative predictive value of 80%. In summary, the available evidence is currently insufficient to determine the role of this variant in disease. Therefore, it has been classified as a Variant of Uncertain Significance.

NM_001082486.2(ACD):c.867A>C (p.Glu289Asp)

Gene: ACD (ACD shelterin complex subunit and telomerase recruitment factor; minus strand). Cytogenetic location: 16q22.1.
Variant type: single nucleotide variant.
Coding change: c.867A>C on transcript NM_001082486.2 (MANE Select); coding-DNA position 867, A replaced by C.
Protein change: p.Glu289Asp; replaces glutamic acid 289 with aspartic acid.
Molecular consequence: missense variant.
Genome position (GRCh38, 1-based): chr16:67,658,325, T>G on the plus strand (A>C on the coding strand, the complement: ACD is on the minus strand). VCF-style: chr16-67658325-T-G. GRCh37 (hg19) VCF-style: chr16-67692228-T-G.
Other names: c.858A>C, p.Glu286Asp (NM_022914.3); c.780A>C, p.Glu260Asp (NM_001410884.1); short protein forms E286D, E289D, E260D.
Identifiers: ClinVar variation 4775835 (VCV004775835.1).